The following is an entry in ClinVar:

ClinVar aggregate classification (germline): Benign/Likely benign. Review status: criteria provided, multiple submitters, no conflicts (2 of 4 stars). 17 submissions from 17 submitters: Benign (8); Likely benign (5). 4 of the submissions do not count toward it. Last evaluated 2026-08-01.

Conditions:
DES-related disorder. Also called: DES-related condition.
Cardiovascular phenotype. Identifiers: MedGen CN230736.
Desmin-related myofibrillar myopathy (MFM1). Also called: Myofibrillar myopathy 1; MYOFIBRILLAR MYOPATHY WITH ARRHYTHMOGENIC RIGHT VENTRICULAR CARDIOMYOPATHY; DESMIN-RELATED MYOPATHY WITH ARRHYTHMOGENIC RIGHT VENTRICULAR CARDIOMYOPATHY; Desmin related myopathy (former name); Desmin storage myopathy (former name); Desminopathy. Identifiers: Orphanet 363543, Orphanet 98909, MedGen C1832370, MONDO:0011076, OMIM 601419.
Dilated cardiomyopathy 1I (CMD1I). Identifiers: Orphanet 154, MedGen C1858154, MONDO:0011482, OMIM 604765.
Neurogenic scapuloperoneal syndrome, Kaeser type (SCPNK). Also called: KAESER SYNDROME. Identifiers: Orphanet 85146, MedGen C1867005, MONDO:0008407, OMIM 181400.
Cardiomyopathy (CMYO). Also called: Cardiomyopathies. Identifiers: Orphanet 167848, MedGen C0878544, MONDO:0004994, HP:0001638. Inheritance: Various modes of inheritance.

Allele frequency attached by ClinVar (database versions not stated): 1000 Genomes Project 30x 0.00078; ExAC 0.00044; 1000 Genomes Project 0.00120; ESP Exome Variant Server 0.00158; TOPMed 0.00166.
gnomAD v4.1: 430 of 1,603,724 alleles (0.027%); highest among the groups gnomAD compares: African/African-American, 0.54%; 2 homozygotes.

Submissions (17):

CeGaT Center for Human Genetics Tuebingen
Classification: Likely benign. Last evaluated: 2026-08-01. Review status: criteria provided, single submitter. Criteria: CeGaT Center For Human Genetics Tuebingen Variant Classification Criteria Version 2. Collection method: clinical testing. Allele origin: germline. Affected: yes. Observed: 1 variant allele.
Comment: DES: BP4, BP7

Labcorp Genetics (formerly Invitae), Labcorp
Classification: Benign for Desmin-related myofibrillar myopathy. Last evaluated: 2026-02-03. Review status: criteria provided, single submitter. Criteria: Invitae Variant Classification Sherloc (09022015). Collection method: clinical testing. Allele origin: germline.

Mayo Clinic Laboratories, Mayo Clinic
Classification: Likely benign. Last evaluated: 2025-06-03. Review status: criteria provided, single submitter. Criteria: ACMG Guidelines, 2015. Collection method: clinical testing. Allele origin: germline. Observed: 6 variant alleles.

Molecular Diagnostic Laboratory for Inherited Cardiovascular Disease, Montreal Heart Institute
Classification: Benign. Last evaluated: 2025-04-09. Review status: criteria provided, single submitter. Criteria: ACMG Guidelines, 2015. Collection method: clinical testing. Allele origin: germline. Affected: no.

Blueprint Genetics
Classification: Likely benign. Last evaluated: 2024-11-25. Review status: criteria provided, single submitter. Criteria: ACMG Guidelines, 2015. Collection method: clinical testing. Allele origin: germline.

Women's Health and Genetics/Laboratory Corporation of America, LabCorp
Classification: Benign. Last evaluated: 2023-08-19. Review status: criteria provided, single submitter. Criteria: LabCorp Variant Classification Summary - May 2015. Collection method: clinical testing. Allele origin: germline.

Fulgent Genetics
Classification: Likely benign for Neurogenic scapuloperoneal syndrome, Kaeser type; Desmin-related myofibrillar myopathy; Dilated cardiomyopathy 1I. Last evaluated: 2021-08-27. Review status: criteria provided, single submitter. Criteria: ACMG Guidelines, 2015. Collection method: clinical testing. Allele origin: unknown.

Ambry Genetics
Classification: Likely benign for Cardiovascular phenotype. Last evaluated: 2019-09-29. Review status: criteria provided, single submitter. Criteria: Ambry Variant Classification Scheme 2023. Collection method: clinical testing. Allele origin: germline.

CHEO Genetics Diagnostic Laboratory, Children's Hospital of Eastern Ontario
Classification: Benign for Cardiomyopathy. Last evaluated: 2018-04-10. Review status: criteria provided, single submitter. Criteria: ACMG Guidelines, 2015. Collection method: clinical testing. Allele origin: germline.

Eurofins Ntd Llc (ga)
Classification: Benign. Last evaluated: 2016-02-22. Review status: criteria provided, single submitter. Criteria: EGL Classification Definitions 2015. Collection method: clinical testing. Allele origin: germline. Observed: 7 variant alleles, 6 heterozygotes.

GeneDx
Classification: Benign. Last evaluated: 2014-06-26. Review status: criteria provided, single submitter. Criteria: GeneDx Variant Classification (06012015). Collection method: clinical testing. Allele origin: germline. Affected: yes.
Comment: This variant is considered likely benign or benign based on one or more of the following criteria: it is a conservative change, it occurs at a poorly conserved position in the protein, it is predicted to be benign by multiple in silico algorithms, and/or has population frequency not consistent with disease.

Laboratory for Molecular Medicine, Mass General Brigham Personalized Medicine
Classification: Benign. Last evaluated: 2012-03-19. Review status: criteria provided, single submitter. Criteria: LMM Criteria. Collection method: clinical testing. Allele origin: germline. Observed: 2 variant alleles.
Comment: p.Ala38Ala in Exon 01 of DES: This variant is not expected to have clinical sign ificance because it does not alter an amino acid residue, is not located within the splice consensus sequence and has been identified in 0.6% (22/3452) of Afric an American chromosomes from a broad population by the NHLBI Exome Sequencing Pr oject.

Breakthrough Genomics
Classification: Benign. Review status: criteria provided, single submitter. Criteria: ACMG Guidelines, 2015. Collection method: not provided. Allele origin: germline. Inheritance: Autosomal recessive inheritance. Affected: yes.

PreventionGenetics, part of Exact Sciences
Classification: Likely benign for DES-related condition. Last evaluated: 2020-02-10. Review status: no assertion criteria provided. Collection method: clinical testing. Allele origin: germline. Not counted in ClinVar's aggregate classification.
Comment: This variant is classified as likely benign based on ACMG/AMP sequence variant interpretation guidelines (Richards et al. 2015 PMID: 25741868, with internal and published modifications).

Clinical Genetics DNA and cytogenetics Diagnostics Lab, Erasmus MC, Erasmus Medical Center
Classification: Likely benign. Review status: no assertion criteria provided. Collection method: clinical testing. Allele origin: germline. Affected: yes. Study: VKGL Data-share Consensus. Not counted in ClinVar's aggregate classification.

Clinical Genetics, Academic Medical Center
Classification: Benign. Review status: no assertion criteria provided. Collection method: clinical testing. Allele origin: germline. Affected: yes. Study: VKGL Data-share Consensus. Not counted in ClinVar's aggregate classification.

Genome Diagnostics Laboratory, University Medical Center Utrecht
Classification: Likely benign. Review status: no assertion criteria provided. Collection method: clinical testing. Allele origin: germline. Affected: yes. Study: VKGL Data-share Consensus. Not counted in ClinVar's aggregate classification.

NM_001927.4(DES):c.114G>A (p.Ala38=)

Gene: DES (desmin; plus strand). Cytogenetic location: 2q35.
Variant type: single nucleotide variant.
Coding change: c.114G>A on transcript NM_001927.4 (MANE Select); coding-DNA position 114, G replaced by A.
Protein change: p.Ala38=; no amino-acid change (alanine 38 retained).
Molecular consequence: synonymous variant.
Genome position (GRCh38, 1-based): chr2:219,418,576, G>A. VCF-style: chr2-219418576-G-A. GRCh37 (hg19) VCF-style: chr2-220283298-G-A.
Other names: p.A38A:GCG>GCA; p.Ala38=.
Identifiers: ClinVar variation 44246 (VCV000044246.33), dbSNP rs368901105, ClinGen allele CA233898.